The following is an entry in ClinVar:

NM_004481.5(GALNT2):c.1278C>T (p.Phe426=)

Gene: GALNT2 (polypeptide N-acetylgalactosaminyltransferase 2; plus strand). Cytogenetic location: 1q42.13.
Variant type: single nucleotide variant.
Coding change: c.1278C>T on transcript NM_004481.5 (MANE Select); coding-DNA position 1278, C replaced by T.
Protein change: p.Phe426=; no amino-acid change (phenylalanine 426 retained).
Molecular consequence: synonymous variant.
Genome position (GRCh38, 1-based): chr1:230,262,970, C>T. VCF-style: chr1-230262970-C-T. GRCh37 (hg19) VCF-style: chr1-230398716-C-T.
Other names: c.1164C>T, p.Phe388= (NM_001291866.2).
Identifiers: ClinVar variation 3042291 (VCV003042291.2), dbSNP rs151097882, ClinGen allele CA1446449.
Genomic context (GRCh38, chr1:230,262,970, plus strand): 5'-CCTCTTCTCCAGTATTCAGAGCAGATTGGAGCTTAGGAAGAAACTCAGCTGCAAGCCTTT[C>T]AAATGGTACCTTGAAAATGTCTATCCAGAGTTAAGGTAAGTCCCCAGGGATCTGGGGTTT-3'
Protein context (NP_004472.1, residues 416-436): ELRKKLSCKP[Phe426=]KWYLENVYPE

ClinVar aggregate classification (germline): Likely benign (0 of 4 stars; one submission).

Conditions:
GALNT2-related disorder. Also called: GALNT2-related condition.

Allele frequency attached by ClinVar (database versions not stated): gnomAD exomes 0.00005; ExAC 0.00015; 1000 Genomes Project 30x 0.00031; 1000 Genomes Project 0.00040; gnomAD 0.00052; TOPMed 0.00055; ESP Exome Variant Server 0.00062.
gnomAD v4.1: 149 of 1,614,206 alleles (0.0092%); highest among the groups gnomAD compares: African/African-American, 0.18%; no homozygotes.

Submission:

PreventionGenetics, part of Exact Sciences
Classification: Likely benign for GALNT2-related condition. Last evaluated: 2019-05-20. Review status: no assertion criteria provided. Collection method: clinical testing. Allele origin: germline.
Comment: This variant is classified as likely benign based on ACMG/AMP sequence variant interpretation guidelines (Richards et al. 2015 PMID: 25741868, with internal and published modifications).